The following is an entry in ClinVar:

ClinVar aggregate classification (germline): Likely pathogenic (0 of 4 stars; one submission).

Conditions:
von Willebrand disease type 3 (VWD3). Also called: Type 3 Von Willebrand's disease; Type 3 VWD; Von Willebrand disease, severe form; V WD3; VON WILLEBRAND DISEASE, TYPE III. Identifiers: Orphanet 166096, MedGen C1264041, MONDO:0010191, OMIM 277480.

Submission:

Angelo Bianchi Bonomi Hemophilia and Thrombosis Center, Fondazione IRCCS Ca Granda Ospedale Maggiore Policlinico
Classification: Likely pathogenic for von Willebrand disease type 3. Last evaluated: 2020-11-01. Review status: no assertion criteria provided. Collection method: clinical testing. Allele origin: germline. Affected: yes. Study: Type 3 Von Willebrand International Registries Inhibitor Prospective Study (3WINTERS-IPS).
Comment: ClinGen Pathogenicity Calculator

NM_000552.5(VWF):c.6551G>C (p.Cys2184Ser)

Gene: VWF (von Willebrand factor; minus strand). Cytogenetic location: 12p13.31.
Variant type: single nucleotide variant.
Coding change: c.6551G>C on transcript NM_000552.5 (MANE Select); coding-DNA position 6551, G replaced by C.
Protein change: p.Cys2184Ser; replaces cysteine 2184 with serine.
Molecular consequence: missense variant.
Genome position (GRCh38, 1-based): chr12:5,993,909, C>G on the plus strand (G>C on the coding strand, the complement: VWF is on the minus strand). VCF-style: chr12-5993909-C-G. GRCh37 (hg19) VCF-style: chr12-6103075-C-G.
Other names: short protein forms C2184S.
Identifiers: ClinVar variation 1065285 (VCV001065285.3), dbSNP rs2136385288, ClinGen allele CA383490772.